The following is an entry in ClinVar:

NM_000090.4(COL3A1):c.2801del (p.Ser934fs)

Gene: COL3A1 (collagen type III alpha 1 chain; plus strand). Cytogenetic location: 2q32.2.
Variant type: Deletion.
Coding change: c.2801del on transcript NM_000090.4 (MANE Select); coding-DNA position 2801, one base deleted (C; older notation c.2801delC).
Protein change: p.Ser934fs; shifts the reading frame from serine 934.
Molecular consequence: frameshift variant.
Genome position (GRCh38, 1-based): chr2:189,004,121, C deleted. VCF-style (leftmost placement, unchanged base first): chr2-189004120-TC-T. GRCh37 (hg19) VCF-style: chr2-189868846-TC-T.
Other names: short protein forms S934fs.
Identifiers: ClinVar variation 2118620 (VCV002118620.4), dbSNP rs2469153717, ClinGen allele CA2580065357.

ClinVar aggregate classification (germline): Pathogenic (1 of 4 stars; one submission).

Conditions:
Ehlers-Danlos syndrome, type 4 (EDSVASC). Also called: Ehlers-Danlos syndrome vascular type; Ehlers Danlos syndrome, ecchymotic type; Ehlers Danlos syndrome, arterial type; Ehlers Danlos syndrome, Sack-Barabas type; Ehlers-Danlos Syndrome Type IV. Identifiers: Orphanet 286, MedGen C0268338, MONDO:0017314, OMIM 130050.

Submission:

Labcorp Genetics (formerly Invitae), Labcorp
Classification: Pathogenic for Ehlers-Danlos syndrome, type 4. Last evaluated: 2025-06-22. Review status: criteria provided, single submitter. Criteria: Invitae Variant Classification Sherloc (09022015). Collection method: clinical testing. Allele origin: germline.
Comment: This sequence change creates a premature translational stop signal (p.Ser934Cysfs*302) in the COL3A1 gene. It is expected to result in an absent or disrupted protein product. Loss-of-function variants in COL3A1 are known to be pathogenic (PMID: 24922459). This variant is not present in population databases (gnomAD no frequency). This variant has not been reported in the literature in individuals affected with COL3A1-related conditions. ClinVar contains an entry for this variant (Variation ID: 2118620). For these reasons, this variant has been classified as Pathogenic.

Literature cited by the submitters: PubMed 24922459.